The following is an entry in ClinVar:

NC_000016.9:g.(?_2089915)_(2110824_?)dup

Genes: NTHL1 (nth like DNA glycosylase 1; minus strand), TSC2 (TSC complex subunit 2; plus strand), LOC130058209 (ATAC-STARR-seq lymphoblastoid active region 10253; plus strand), LOC130058210 (ATAC-STARR-seq lymphoblastoid silent region 7024; plus strand). Cytogenetic location: 16p13.3.
Variant type: Duplication.
Identifiers: ClinVar variation 663405 (VCV000663405.1).

ClinVar aggregate classification (germline): Uncertain significance (1 of 4 stars; one submission).

Conditions:
Tuberous sclerosis 2 (TSC2). Identifiers: Orphanet 805, MedGen C1860707, MONDO:0013199, OMIM 613254.

Submission:

Labcorp Genetics (formerly Invitae), Labcorp
Classification: Uncertain significance for Tuberous sclerosis 2. Last evaluated: 2019-01-03. Review status: criteria provided, single submitter. Criteria: Invitae Variant Classification Sherloc (09022015). Collection method: clinical testing. Allele origin: germline.
Comment: This variant results in a copy number gain of the genomic region encompassing exons 1-11 of the TSC2 gene. The 5' end of this event is unknown as it extends beyond the assayed region for this gene and therefore may encompass additional genes. The 3' boundary is likely confined to intron 11 of the TSC2 gene. As the precise location of this event is unknown, it may be in tandem or it may be located elsewhere in the genome. This variant has not been reported in the literature in individuals with TSC2-related disease. In summary, the available evidence is currently insufficient to determine the role of this variant in disease. Therefore, it has been classified as a Variant of Uncertain Significance.